The following is an entry in ClinVar:

ClinVar aggregate classification (germline): Uncertain significance (1 of 4 stars; one submission).

Conditions:
Ehlers-Danlos syndrome, classic type, 1 (EDSCL1). Also called: EHLERS-DANLOS SYNDROME, GRAVIS TYPE; EHLERS-DANLOS SYNDROME, SEVERE CLASSIC TYPE; Ehlers-Danlos syndrome, type 1; Ehlers-Danlos Syndrome, Classic Type, COL5A1-Related; EDS I. Identifiers: MedGen C0268335, MONDO:0019567, OMIM 130000.

Submission:

Labcorp Genetics (formerly Invitae), Labcorp
Classification: Uncertain significance for Ehlers-Danlos syndrome, classic type, 1. Last evaluated: 2025-04-23. Review status: criteria provided, single submitter. Criteria: Invitae Variant Classification Sherloc (09022015). Collection method: clinical testing. Allele origin: germline.
Comment: This sequence change replaces leucine, which is neutral and non-polar, with isoleucine, which is neutral and non-polar, at codon 70 of the COL5A2 protein (p.Leu70Ile). This variant is not present in population databases (gnomAD no frequency). This variant has not been reported in the literature in individuals affected with COL5A2-related conditions. Invitae Evidence Modeling of protein sequence and biophysical properties (such as structural, functional, and spatial information, amino acid conservation, physicochemical variation, residue mobility, and thermodynamic stability) indicates that this missense variant is not expected to disrupt COL5A2 protein function with a negative predictive value of 95%. In summary, the available evidence is currently insufficient to determine the role of this variant in disease. Therefore, it has been classified as a Variant of Uncertain Significance.

NM_000393.5(COL5A2):c.208C>A (p.Leu70Ile)

Gene: COL5A2 (collagen type V alpha 2 chain; minus strand). Cytogenetic location: 2q32.2.
Variant type: single nucleotide variant.
Coding change: c.208C>A on transcript NM_000393.5 (MANE Select); coding-DNA position 208, C replaced by A.
Protein change: p.Leu70Ile; replaces leucine 70 with isoleucine.
Molecular consequence: missense variant.
Genome position (GRCh38, 1-based): chr2:189,110,339, G>T on the plus strand (C>A on the coding strand, the complement: COL5A2 is on the minus strand). VCF-style: chr2-189110339-G-T. GRCh37 (hg19) VCF-style: chr2-189975065-G-T.
Other names: short protein forms L70I.
Identifiers: ClinVar variation 4715483 (VCV004715483.1).